The following is an entry in ClinVar:

NM_005629.4(SLC6A8):c.1235T>C (p.Leu412Pro)

Gene: SLC6A8 (solute carrier family 6 member 8; plus strand). Cytogenetic location: Xq28.
Variant type: single nucleotide variant.
Coding change: c.1235T>C on transcript NM_005629.4 (MANE Select); coding-DNA position 1235, T replaced by C.
Protein change: p.Leu412Pro; replaces leucine 412 with proline.
Molecular consequence: missense variant.
Genome position (GRCh38, 1-based): chrX:153,693,998, T>C. VCF-style: chrX-153693998-T-C. GRCh37 (hg19) VCF-style: chrX-152959453-T-C.
Other names: c.1205T>C, p.Leu402Pro (NM_001142805.2); c.890T>C, p.Leu297Pro (NM_001142806.1); short protein forms L297P, L402P, L412P.
Identifiers: ClinVar variation 1285397 (VCV001285397.1), dbSNP rs2148363751, ClinGen allele CA415086592.

ClinVar aggregate classification (germline): Uncertain significance (1 of 4 stars; one submission).

Conditions:
Creatine transporter deficiency (CCDS1). Also called: Creatine Transporter (CRTR) Deficiency; Mental retardation , X-linked with seizures, short stature and midface hypoplasia; Mental retardation , X-linked, with creatine transport deficiency; X-linked creatine transporter deficiency; X-linked creatine deficiency syndrome; CEREBRAL CREATINE DEFICIENCY SYNDROME 1. Identifiers: Orphanet 52503, MedGen C1845862, MONDO:0010305, OMIM 300352.

Submission:

Institute of Human Genetics, University of Leipzig Medical Center
Classification: Uncertain significance for Creatine transporter deficiency. Last evaluated: 2020-10-06. Review status: criteria provided, single submitter. Criteria: ACMG Guidelines, 2015. Collection method: clinical testing. Allele origin: unknown. Affected: yes.
Comment: This variant was identified as hemizygous.